The following is an entry in ClinVar:

ClinVar aggregate classification (germline): Pathogenic. Review status: reviewed by expert panel (3 of 4 stars). 5 submissions from 5 submitters: Pathogenic (1). 4 of the submissions do not count toward it. Last evaluated 2016-09-08.

Conditions:
Hereditary cancer-predisposing syndrome. Also called: Tumor predisposition; Neoplastic Syndromes, Hereditary; Hereditary Cancer Syndrome; Hereditary neoplastic syndrome. Identifiers: Orphanet 140162, MedGen C0027672, MeSH D009386, MONDO:0015356.
Breast-ovarian cancer, familial, susceptibility to, 1 (BROVCA1). Also called: OVARIAN CANCER, SUSCEPTIBILITY TO; BRCA1 Hereditary Breast and Ovarian Cancer. Identifiers: Orphanet 145, MedGen C2676676, MONDO:0011450, OMIM 604370. Disease mechanism: loss of function.

Submissions (5):

Evidence-based Network for the Interpretation of Germline Mutant Alleles (ENIGMA)
Classification: Pathogenic for Breast-ovarian cancer, familial, susceptibility to, 1. Last evaluated: 2016-09-08. Review status: reviewed by expert panel. Criteria: ENIGMA BRCA1/2 Classification Criteria (2015). Collection method: curation. Allele origin: germline.
Comment: Variant allele predicted to encode a truncated non-functional protein.

Ambry Genetics
Classification: Pathogenic for Hereditary cancer-predisposing syndrome. Last evaluated: 2023-04-13. Review status: criteria provided, single submitter. Criteria: Ambry Variant Classification Scheme 2023. Collection method: clinical testing. Allele origin: germline. Not counted in ClinVar's aggregate classification.
Comment: The p.E349* pathogenic mutation (also known as c.1045G>T), located in coding exon 9 of the BRCA1 gene, results from a G to T substitution at nucleotide position 1045. This changes the amino acid from a glutamic acid to a stop codon within coding exon 9. This alteration was identified in a large, worldwide study of BRCA1/2 mutation positive families (Rebbeck TR et al. Hum Mutat, 2018 May;39:593-620). This alteration was also identified in a cohort of Russian ovarian cancer patients (Kechin A et al. Breast Cancer Res Treat, 2023 Jan;197:387-395). This variant is considered to be rare based on population cohorts in the Genome Aggregation Database (gnomAD). In addition to the clinical data presented in the literature, this alteration is expected to result in loss of function by premature protein truncation or nonsense-mediated mRNA decay. As such, this alteration is interpreted as a disease-causing mutation.

Quest Diagnostics Nichols Institute San Juan Capistrano
Classification: Pathogenic. Last evaluated: 2019-08-20. Review status: criteria provided, single submitter. Criteria: Quest Diagnostics criteria. Collection method: clinical testing. Allele origin: unknown. Not counted in ClinVar's aggregate classification.
Comment: This nonsense variant causes the premature termination of BRCA1 protein synthesis. In addition, it has been reported in a cohort of BRCA1 and BRCA2 mutation carriers in the published literature (PMID: 29446198 (2018)). Based on the available information, this variant is classified as pathogenic.

Consortium of Investigators of Modifiers of BRCA1/2 (CIMBA), c/o University of Cambridge
Classification: Pathogenic for Breast-ovarian cancer, familial, susceptibility to, 1. Last evaluated: 2015-10-02. Review status: criteria provided, single submitter. Criteria: CIMBA Mutation Classification guidelines May 2016. Collection method: clinical testing. Allele origin: germline. Not counted in ClinVar's aggregate classification.

Breast Cancer Information Core (BIC) (BRCA1)
Classification: Pathogenic for Breast-ovarian cancer, familial 1. Last evaluated: 2004-11-25. Review status: no assertion criteria provided. Collection method: clinical testing. Allele origin: germline. Affected: yes. Observed: 1 variant allele. Not counted in ClinVar's aggregate classification.

Literature cited by the submitters: PubMed 29446198 (cited by Ambry Genetics and Quest Diagnostics Nichols Institute San Juan Capistrano); PubMed 36367610 (cited by Ambry Genetics); PubMed 30425037 (cited by Quest Diagnostics Nichols Institute San Juan Capistrano).

NM_007294.4(BRCA1):c.1045G>T (p.Glu349Ter)

Gene: BRCA1 (BRCA1 DNA repair associated; minus strand). Cytogenetic location: 17q21.31.
Variant type: single nucleotide variant.
Coding change: c.1045G>T on transcript NM_007294.4 (MANE Select); coding-DNA position 1045, G replaced by T.
Protein change: p.Glu349Ter; replaces glutamic acid 349 with a stop codon.
Molecular consequence: nonsense. On other transcripts: intron variant (137).
Genome position (GRCh38, 1-based): chr17:43,094,486, C>A on the plus strand (G>T on the coding strand, the complement: BRCA1 is on the minus strand). VCF-style: chr17-43094486-C-A. GRCh37 (hg19) VCF-style: chr17-41246503-C-A.
Other names: c.832G>T, p.Glu278Ter (NM_001407571.1, NM_001407853.1, NM_001407894.1 and 9 more transcripts); c.1045G>T, p.Glu349Ter (NM_001407581.1, NM_001407582.1, NM_001407583.1 and 30 more transcripts); c.1042G>T, p.Glu348Ter (NM_001407587.1, NM_001407590.1, NM_001407591.1 and 22 more transcripts); c.1036G>T, p.Glu346Ter (NM_001407646.1, NM_001407647.1); c.922G>T, p.Glu308Ter (NM_001407648.1, NM_001407664.1, NM_001407665.1 and 19 more transcripts); c.919G>T, p.Glu307Ter (NM_001407649.1, NM_001407670.1, NM_001407671.1 and 11 more transcripts); c.967G>T, p.Glu323Ter (NM_001407653.1, NM_001407654.1, NM_001407655.1 and 4 more transcripts); c.964G>T, p.Glu322Ter (NM_001407659.1, NM_001407660.1, NM_001407661.1 and 1 more transcripts); and 40 more; short protein forms E349*, E302*, E323*, E346*, E261*, E281*, E301*, E181*.
Identifiers: ClinVar variation 54107 (VCV000054107.10), dbSNP rs80357338, ClinGen allele CA000701.